The following is an entry in ClinVar:

NM_015346.4(ZFYVE26):c.1730_1731delinsT (p.Asn577fs)

Gene: ZFYVE26 (zinc finger FYVE-type containing 26; minus strand). Cytogenetic location: 14q24.1.
Variant type: Indel.
Coding change: c.1730_1731delinsT on transcript NM_015346.4 (MANE Select); coding-DNA positions 1730 to 1731, AC replaced by T.
Protein change: p.Asn577fs; shifts the reading frame from asparagine 577.
Molecular consequence: frameshift variant.
Genome position (GRCh38, 1-based): chr14:67,798,531-67,798,532, GT replaced by A on the plus strand (AC replaced by T on the coding strand, the reverse complement: ZFYVE26 is on the minus strand). VCF-style: chr14-67798531-GT-A. GRCh37 (hg19) VCF-style: chr14-68265248-GT-A.
Other names: short protein forms N577fs.
Identifiers: ClinVar variation 5012384 (VCV005012384.1).

ClinVar aggregate classification (germline): Pathogenic (1 of 4 stars; one submission).

Conditions:
Hereditary spastic paraplegia 15 (SPG15). Also called: SPASTIC PARAPLEGIA 15, AUTOSOMAL RECESSIVE; KJELLIN SYNDROME; SPASTIC PARAPLEGIA AND RETINAL DEGENERATION. Identifiers: Orphanet 100996, MedGen C1849128, MONDO:0010044, OMIM 270700.

Submission:

Myriad Genetics, Inc.
Classification: Pathogenic for Hereditary spastic paraplegia 15. Last evaluated: 2023-10-12. Review status: criteria provided, single submitter. Criteria: Myriad Autosomal Dominant, Autosomal Recessive and X-Linked Classification Criteria (2023). Collection method: clinical testing. Allele origin: unknown.
Comment: NM_015346.3(ZFYVE26):c.1730_1731delACinsT(N577Ifs*37) is expected to be pathogenic in the context of spastic paraplegia type 15. This variant is predicted to lead to an abnormal or absent protein product due to the creation of a premature termination codon in ZFYVE26, a gene where loss-of-function variants are known to be pathogenic. Please note: this variant was assessed in the context of healthy population screening.